The following is an entry in ClinVar:

ClinVar aggregate classification (germline): Uncertain significance (1 of 4 stars; one submission).

Submission:

Labcorp Genetics (formerly Invitae), Labcorp
Classification: Uncertain significance. Last evaluated: 2026-01-17. Review status: criteria provided, single submitter. Criteria: Invitae Variant Classification Sherloc (09022015). Collection method: clinical testing. Allele origin: germline.
Comment: This sequence change replaces tryptophan, which is neutral and slightly polar, with glycine, which is neutral and non-polar, at codon 131 of the SMARCB1 protein (p.Trp131Gly). This variant is not present in population databases (gnomAD no frequency). This variant has not been reported in the literature in individuals affected with SMARCB1-related conditions. Invitae Evidence Modeling of protein sequence and biophysical properties (such as structural, functional, and spatial information, amino acid conservation, physicochemical variation, residue mobility, and thermodynamic stability) indicates that this missense variant is not expected to disrupt SMARCB1 protein function with a negative predictive value of 80%. In summary, the available evidence is currently insufficient to determine the role of this variant in disease. Therefore, it has been classified as a Variant of Uncertain Significance.

NM_003073.5(SMARCB1):c.391T>G (p.Trp131Gly)

Gene: SMARCB1 (SWI/SNF related BAF chromatin remodeling complex subunit B1; plus strand). Cytogenetic location: 22q11.23.
Variant type: single nucleotide variant.
Coding change: c.391T>G on transcript NM_003073.5 (MANE Select); coding-DNA position 391, T replaced by G.
Protein change: p.Trp131Gly; replaces tryptophan 131 with glycine.
Molecular consequence: missense variant.
Genome position (GRCh38, 1-based): chr22:23,800,972, T>G. VCF-style: chr22-23800972-T-G. GRCh37 (hg19) VCF-style: chr22-24143159-T-G.
Other names: c.364T>G, p.Trp122Gly (NM_001007468.3, NM_001317946.2); c.391T>G, p.Trp131Gly (NM_001362877.2); short protein forms W122G, W131G.
Identifiers: ClinVar variation 4744469 (VCV004744469.1).